The following is an entry in ClinVar:

NM_031206.7(LAS1L):c.940G>A (p.Val314Ile)

Gene: LAS1L (LAS1 like ribosome biogenesis factor; minus strand). Cytogenetic location: Xq12.
Variant type: single nucleotide variant.
Coding change: c.940G>A on transcript NM_031206.7 (MANE Select); coding-DNA position 940, G replaced by A.
Protein change: p.Val314Ile; replaces valine 314 with isoleucine.
Molecular consequence: missense variant. On other transcripts: non-coding transcript variant (1), intron variant (1).
Genome position (GRCh38, 1-based): chrX:65,528,276, C>T on the plus strand (G>A on the coding strand, the complement: LAS1L is on the minus strand). VCF-style: chrX-65528276-C-T. GRCh37 (hg19) VCF-style: chrX-64748156-C-T.
Other names: c.940G>A, p.Val314Ile (NM_001170649.2, NM_001375328.1, NM_001375329.1 and 7 more transcripts); c.814G>A, p.Val272Ile (NM_001170650.2); c.50+936G>A (NM_001375332.1); short protein forms V314I, V272I.
Identifiers: ClinVar variation 533406 (VCV000533406.9), dbSNP rs137948118, ClinGen allele CA10434000.
Genomic context (GRCh38, chrX:65,528,276, plus strand): 5'-TCTATCCTAGAGAATACGCAGCTCCCGGTTACCTAGTTACACACCTGTTCTCGCATGTAA[C>T]GCCCTTGAGCTCTGCCAGGACACATTCTACACGTGGGGACGGGTTATTCCACGCCTTAAT-3'
Protein context (NP_112483.1, residues 304-324): VECVLAELKG[Val314Ile]TCENREAVLD

ClinVar aggregate classification (germline): Uncertain significance (1 of 4 stars; one submission).

Conditions:
Wilson-Turner syndrome (WTS). Also called: INTELLECTUAL DEVELOPMENTAL DISORDER, X-LINKED, SYNDROMIC, WILSON-TURNER TYPE; MENTAL RETARDATION, X-LINKED, SYNDROMIC 6. Identifiers: Orphanet 3459, MedGen C1839736, MONDO:0010665, OMIM 309585.

Allele frequency attached by ClinVar (database versions not stated): gnomAD exomes 0.00001; ExAC 0.00002; TOPMed 0.00004; gnomAD 0.00007 and 0.00006; 1000 Genomes Project 30x 0.00042; ESP Exome Variant Server 0.00009; 1000 Genomes Project 0.00026.
gnomAD v4.1: 15 of 1,193,226 alleles (0.0013%); highest among the groups gnomAD compares: African/African-American, 0.016%; no homozygotes.

Submission:

Labcorp Genetics (formerly Invitae), Labcorp
Classification: Uncertain significance for Wilson-Turner syndrome. Last evaluated: 2017-08-15. Review status: criteria provided, single submitter. Criteria: Invitae Variant Classification Sherloc (09022015). Collection method: clinical testing. Allele origin: germline.
Comment: In summary, the available evidence is currently insufficient to determine the role of this variant in disease. Therefore, it has been classified as a Variant of Uncertain Significance. Algorithms developed to predict the effect of missense changes on protein structure and function output the following: SIFT: "Tolerated"; PolyPhen-2: "Benign"; Align-GVGD: "Class C0". The isoleucine amino acid residue is found in multiple mammalian species, suggesting that this missense change does not adversely affect protein function. These predictions have not been confirmed by published functional studies and their clinical significance is uncertain. This variant has not been reported in the literature in individuals with LAS1L-related disease. This variant is present in population databases (rs137948118, ExAC 0.02%). This sequence change replaces valine with isoleucine at codon 314 of the LAS1L protein (p.Val314Ile). The valine residue is weakly conserved and there is a small physicochemical difference between valine and isoleucine.